The following is an entry in ClinVar:

ClinVar aggregate classification (germline): Uncertain significance (1 of 4 stars; one submission).

Submission:

Ambry Genetics
Classification: Uncertain significance. Last evaluated: 2026-06-13. Review status: criteria provided, single submitter. Criteria: Ambry Variant Classification Scheme 2023. Collection method: clinical testing. Allele origin: germline.
Comment: The p.G216E variant (also known as c.647G>A), located in coding exon 7 of the SRP72 gene, results from a G to A substitution at nucleotide position 647. The glycine at codon 216 is replaced by glutamic acid, an amino acid with similar properties. This amino acid position is conserved. In addition, this alteration is predicted to be tolerated by in silico analysis. Based on the available evidence, the clinical significance of this variant remains unclear.

NM_006947.4(SRP72):c.647G>A (p.Gly216Glu)

Gene: SRP72 (signal recognition particle 72; plus strand). Cytogenetic location: 4q12.
Variant type: single nucleotide variant.
Coding change: c.647G>A on transcript NM_006947.4 (MANE Select); coding-DNA position 647, G replaced by A.
Protein change: p.Gly216Glu; replaces glycine 216 with glutamic acid.
Molecular consequence: missense variant. On other transcripts: non-coding transcript variant (1), intron variant (1).
Genome position (GRCh38, 1-based): chr4:56,478,383, G>A. VCF-style: chr4-56478383-G-A. GRCh37 (hg19) VCF-style: chr4-57344549-G-A.
Other names: c.642+1681G>A (NM_001267722.2); short protein forms G216E.
Identifiers: ClinVar variation 4865159 (VCV004865159.1).